The following is an entry in ClinVar:

NM_005633.4(SOS1):c.2511-13_2511-9del

Gene: SOS1 (SOS Ras/Rac guanine nucleotide exchange factor 1; minus strand). Cytogenetic location: 2p22.1.
Variant type: Deletion.
Coding change: c.2511-13_2511-9del on transcript NM_005633.4 (MANE Select); 13 bases into the intron before coding-DNA position 2511 through 9 bases into the intron before coding-DNA position 2511, 5 bases deleted (TTTTT; older notation c.2511-13_2511-9delTTTTT).
Molecular consequence: intron variant.
Genome position (GRCh38, 1-based): chr2:39,007,202-39,007,206, AAAAA deleted on the plus strand (TTTTT on the coding strand, the reverse complement: SOS1 is on the minus strand); deleting any 5 consecutive bases within chr2:39,007,202-39,007,210 gives the same sequence; the c. name uses the placement nearest the transcript's 3' end. VCF-style (leftmost placement, unchanged base first): chr2-39007201-TAAAAA-T. GRCh37 (hg19) VCF-style: chr2-39234342-TAAAAA-T.
Other names: p.?; c.2490-13_2490-9del (NM_001382394.1); c.2511-13_2511-9del (NM_001382395.1, NM_005633.3); c.2511-13_2511-9delTTTTT (NM_005633.3); c.2511-13_2511-9del5 (NM_005633.3).
Identifiers: ClinVar variation 180174 (VCV000180174.19), dbSNP rs727503436, ClinGen allele CA273716.
Genomic context (GRCh38, chr2:39,007,201, plus strand): 5'-TTCGACTCACCACAGCTACTCTTTCTTCTAAATTTTCAGTTTCTACAATACATCTGGGAA[TAAAAA>T]AAAAGTGAACTAAAGGTTTTAGAGTTTTTCCAATAAAGTTATAGCTTAAAGAATTTAGTA-3'

ClinVar aggregate classification (germline): Likely benign. Review status: criteria provided, multiple submitters, no conflicts (2 of 4 stars). 5 submissions from 5 submitters: Likely benign (3). 2 of the submissions do not count toward it. Last evaluated 2026-01-05.

Conditions:
SOS1-related disorder. Also called: SOS1-related condition.
RASopathy. Also called: rasopathies; Noonan spectrum disorder. Identifiers: Orphanet 536391, MedGen C5555857, MONDO:0021060.
Noonan syndrome (NS). Also called: Noonan's syndrome. Identifiers: Orphanet 648, MedGen C0028326, MeSH D009634, MONDO:0018997. Disease mechanism: gain of function.

Submissions (5):

Labcorp Genetics (formerly Invitae), Labcorp
Classification: Likely benign for RASopathy. Last evaluated: 2026-01-05. Review status: criteria provided, single submitter. Criteria: Invitae Variant Classification Sherloc (09022015). Collection method: clinical testing. Allele origin: germline.

Mayo Clinic Laboratories, Mayo Clinic
Classification: Likely benign. Last evaluated: 2025-07-31. Review status: criteria provided, single submitter. Criteria: ACMG Guidelines, 2015. Collection method: clinical testing. Allele origin: germline. Observed: 1 variant allele.
Comment: BP4, BP7

GeneDx
Classification: Likely benign. Last evaluated: 2020-03-12. Review status: criteria provided, single submitter. Criteria: GeneDx Variant Classification Process June 2021. Collection method: clinical testing. Allele origin: germline. Affected: yes.

PreventionGenetics, part of Exact Sciences
Classification: Likely benign for SOS1-related condition. Last evaluated: 2020-08-24. Review status: no assertion criteria provided. Collection method: clinical testing. Allele origin: germline. Not counted in ClinVar's aggregate classification.
Comment: This variant is classified as likely benign based on ACMG/AMP sequence variant interpretation guidelines (Richards et al. 2015 PMID: 25741868, with internal and published modifications).

ARUP Laboratories, Molecular Genetics and Genomics, ARUP Laboratories
Classification: Likely benign for Noonan syndrome. Last evaluated: 2012-06-08. Review status: no assertion criteria provided. Collection method: clinical testing. Allele origin: unknown. Affected: yes. Observed: 1 variant allele. Not counted in ClinVar's aggregate classification.